The following is an entry in ClinVar:

ClinVar aggregate classification (germline): Uncertain significance (1 of 4 stars; one submission).

Submission:

GeneDx
Classification: Uncertain significance. Last evaluated: 2017-03-17. Review status: criteria provided, single submitter. Criteria: GeneDx Variant Classification (06012015). Collection method: clinical testing. Allele origin: germline. Affected: yes.
Comment: The Q173H variant of uncertain significance in the SMAD3 gene has not been published as pathogenic or been reported as benign to our knowledge. This variant is not observed in large population cohorts (Lek et al., 2016; 1000 Genomes Consortium et al., 2015; Exome Variant Server). The Q173H variant is a semi-conservative amino acid substitution, which may impact secondary protein structure as these residues differ in some properties. This substitution occurs at a position that is conserved in mammals. However, histidine is the wild-type amino acid at this position in at least two species. Furthermore, in silico analysis is inconsistent in its predictions as to whether or not the variant is damaging to the protein structure/function.

NM_005902.4(SMAD3):c.519G>C (p.Gln173His)

Gene: SMAD3 (SMAD family member 3; plus strand). Cytogenetic location: 15q22.33.
Variant type: single nucleotide variant.
Coding change: c.519G>C on transcript NM_005902.4 (MANE Select); coding-DNA position 519, G replaced by C.
Protein change: p.Gln173His; replaces glutamine 173 with histidine.
Molecular consequence: missense variant.
Genome position (GRCh38, 1-based): chr15:67,165,371, G>C. VCF-style: chr15-67165371-G-C. GRCh37 (hg19) VCF-style: chr15-67457709-G-C.
Other names: c.204G>C, p.Gln68His (NM_001145102.2); c.387G>C, p.Gln129His (NM_001145103.2); short protein forms Q173H, Q129H, Q68H.
Identifiers: ClinVar variation 424388 (VCV000424388.2), dbSNP rs1064796949, ClinGen allele CA16619991.